The following is an entry in ClinVar:

NM_001378615.1(CC2D2A):c.2902G>A (p.Val968Ile)

Genes: CC2D2A (coiled-coil and C2 domain containing 2A; plus strand), FBXL5 (F-box and leucine rich repeat protein 5; minus strand). Cytogenetic location: 4p15.32.
Variant type: single nucleotide variant.
Coding change: c.2902G>A on transcript NM_001378615.1 (MANE Select); coding-DNA position 2902, G replaced by A.
Protein change: p.Val968Ile; replaces valine 968 with isoleucine.
Molecular consequence: missense variant.
Genome position (GRCh38, 1-based): chr4:15,559,237, G>A. VCF-style: chr4-15559237-G-A. GRCh37 (hg19) VCF-style: chr4-15560860-G-A.
Other names: c.2902G>A, p.Val968Ile (NM_001080522.2); c.2755G>A, p.Val919Ile (NM_001378617.1); short protein forms V919I, V968I.
Identifiers: ClinVar variation 841504 (VCV000841504.7), dbSNP rs1369320518, ClinGen allele CA356412914.

ClinVar aggregate classification (germline): Uncertain significance (1 of 4 stars; one submission).

Conditions:
Meckel-Gruber syndrome. Also called: Dysencephalia splachnocystica; DYSENCEPHALIA SPLANCHNOCYSTICA; GRUBER SYNDROME. Identifiers: Orphanet 564, MedGen C0265215, MONDO:0018921.
Joubert syndrome. Also called: JOUBERT-BOLTSHAUSER SYNDROME; Familial aplasia of the vermis. Identifiers: Orphanet 475, MedGen C5979921, MONDO:0018772.

Allele frequency attached by ClinVar (database versions not stated): gnomAD exomes below 0.00001 and 0.00001; gnomAD 0.00001; TOPMed 0.00001.
gnomAD v4.1: 3 of 1,551,540 alleles (0.00019%); highest among the groups gnomAD compares: Non-Finnish European, 0.00026%; no homozygotes.

Submission:

Labcorp Genetics (formerly Invitae), Labcorp
Classification: Uncertain significance for Joubert syndrome; Meckel-Gruber syndrome. Last evaluated: 2022-02-23. Review status: criteria provided, single submitter. Criteria: Invitae Variant Classification Sherloc (09022015). Collection method: clinical testing. Allele origin: germline.
Comment: This sequence change replaces valine, which is neutral and non-polar, with isoleucine, which is neutral and non-polar, at codon 968 of the CC2D2A protein (p.Val968Ile). The frequency data for this variant in the population databases is considered unreliable, as metrics indicate poor data quality at this position in the gnomAD database. This variant has not been reported in the literature in individuals affected with CC2D2A-related conditions. ClinVar contains an entry for this variant (Variation ID: 841504). Advanced modeling of protein sequence and biophysical properties (such as structural, functional, and spatial information, amino acid conservation, physicochemical variation, residue mobility, and thermodynamic stability) performed at Invitae indicates that this missense variant is expected to disrupt CC2D2A protein function. In summary, the available evidence is currently insufficient to determine the role of this variant in disease. Therefore, it has been classified as a Variant of Uncertain Significance.